The following is an entry in ClinVar:

NM_001035.3(RYR2):c.8602C>T (p.His2868Tyr)

Gene: RYR2 (ryanodine receptor 2; plus strand). Cytogenetic location: 1q43.
Variant type: single nucleotide variant.
Coding change: c.8602C>T on transcript NM_001035.3 (MANE Select); coding-DNA position 8602, C replaced by T.
Protein change: p.His2868Tyr; replaces histidine 2868 with tyrosine.
Molecular consequence: missense variant.
Genome position (GRCh38, 1-based): chr1:237,674,107, C>T. VCF-style: chr1-237674107-C-T. GRCh37 (hg19) VCF-style: chr1-237837407-C-T.
Other names: short protein forms H2868Y.
Identifiers: ClinVar variation 5028705 (VCV005028705.1).

ClinVar aggregate classification (germline): Uncertain significance (1 of 4 stars; one submission).

Conditions:
Cardiovascular phenotype. Identifiers: MedGen CN230736.

gnomAD v4.1: 2 of 1,611,594 alleles (0.00012%); highest among the groups gnomAD compares: East Asian, 0.0022%; no homozygotes.

Submission:

Ambry Genetics
Classification: Uncertain significance for Cardiovascular phenotype. Last evaluated: 2026-08-24. Review status: criteria provided, single submitter. Criteria: Ambry Variant Classification Scheme 2023. Collection method: clinical testing. Allele origin: germline.
Comment: The p.H2868Y variant (also known as c.8602C>T), located in coding exon 59 of the RYR2 gene, results from a C to T substitution at nucleotide position 8602. The histidine at codon 2868 is replaced by tyrosine, an amino acid with similar properties. This amino acid position is conserved. In addition, this alteration is predicted to be deleterious by in silico analysis. Based on the available evidence, the clinical significance of this variant remains unclear.